The following is an entry in ClinVar:

NM_015559.3(SETBP1):c.1588C>T (p.Arg530Ter)

Gene: SETBP1 (SET binding protein 1; plus strand). Cytogenetic location: 18q12.3.
Variant type: single nucleotide variant.
Coding change: c.1588C>T on transcript NM_015559.3 (MANE Select); coding-DNA position 1588, C replaced by T.
Protein change: p.Arg530Ter; replaces arginine 530 with a stop codon.
Molecular consequence: nonsense.
Genome position (GRCh38, 1-based): chr18:44,950,928, C>T. VCF-style: chr18-44950928-C-T. GRCh37 (hg19) VCF-style: chr18-42530893-C-T.
Other names: c.1588C>T, p.Arg530Ter (NM_001379141.1, NM_001379142.1, NM_001410862.1); short protein forms R530*.
Identifiers: ClinVar variation 2429955 (VCV002429955.8), dbSNP rs2071332541, ClinGen allele CA402318845.

ClinVar aggregate classification (germline): Pathogenic. Review status: criteria provided, multiple submitters, no conflicts (2 of 4 stars). 6 submissions from 6 submitters: Pathogenic (4). 2 of the submissions do not count toward it. Last evaluated 2026-02-03.

Conditions:
Intellectual developmental disorder, autosomal dominant 29. Also called: SETBP1 Haploinsufficiency Disorder; Intellectual disability, autosomal dominant 29. Identifiers: Orphanet 436151, MedGen C4015141, MONDO:0014482, OMIM 616078.
Inborn genetic diseases. Identifiers: MedGen C0950123, MeSH D030342.
SETBP1-related disorder. Also called: SETBP1-related condition; SETBP1-related disorders.
Developmental disorder. Identifiers: MedGen C0008073.

Submissions (6):

Ambry Genetics
Classification: Pathogenic for Inborn genetic diseases. Last evaluated: 2026-02-03. Review status: criteria provided, single submitter. Criteria: Ambry Variant Classification Scheme 2023. Collection method: clinical testing. Allele origin: germline.
Comment: The c.1588C>T (p.R530*) alteration, located in exon 4 (coding exon 3) of the SETBP1 gene, consists of a C to T substitution at nucleotide position 1588. This changes the amino acid from an arginine (R) to a stop codon at amino acid position 530. This variant is expected to result in loss of function by premature protein truncation or nonsense-mediated mRNA decay. for SETBP1-related neurodevelopmental disorder; however, it is unlikely to be causative of Schinzel-Giedion syndrome. This variant was not reported in population-based cohorts in the Genome Aggregation Database (gnomAD). This variant was determined to be de novo in at least one individual with features consistent with SETBP1-related neurodevelopmental disorder (Morgan, 2021; Oyler, 2024). Based on the available evidence, this alteration is classified as pathogenic.

GeneDx
Classification: Pathogenic. Last evaluated: 2024-05-20. Review status: criteria provided, single submitter. Criteria: GeneDx Variant Classification Process June 2021. Collection method: clinical testing. Allele origin: germline. Affected: yes.
Comment: Nonsense variant predicted to result in protein truncation or nonsense mediated decay in a gene for which loss of function is a known mechanism of disease; Not observed at significant frequency in large population cohorts (gnomAD); This variant is associated with the following publications: (PMID: 33907317, 33057194, 35982159)

Genetics Laboratory, UDIAT-Centre Diagnòstic, Hospital Universitari Parc Tauli
Classification: Pathogenic for intellectual disability, autosomal dominant 29. Last evaluated: 2022-09-19. Review status: criteria provided, single submitter. Criteria: ACMG Guidelines, 2015. Collection method: clinical testing. Allele origin: unknown. Inheritance: Autosomal dominant inheritance. Affected: yes.
Comment: PVS1_very strong;PM2_supporting;PM6_moderate

Department of Genetics, Rouen University Hospital, Normandy Center for Genomic and Personalized Medicine
Classification: Pathogenic for Developmental disorder. Last evaluated: 2022-03-08. Review status: criteria provided, single submitter. Criteria: ACMG Guidelines, 2015. Collection method: clinical testing. Allele origin: de novo. Affected: yes.

PreventionGenetics, part of Exact Sciences
Classification: Pathogenic for SETBP1-related condition. Last evaluated: 2024-01-09. Review status: no assertion criteria provided. Collection method: clinical testing. Allele origin: germline. Not counted in ClinVar's aggregate classification.
Comment: The SETBP1 c.1588C>T variant is predicted to result in premature protein termination (p.Arg530*). This variant was reported in an individual with SETBP1 haploinsufficiency disorder (Morgan et al. 2021. PubMed ID: 33907317). This variant has not been reported in a large population database, indicating this variant is rare. Nonsense variants in SETBP1 are expected to be pathogenic. This variant is interpreted as pathogenic.

Medical Genetics Lab, Xi'an People's Hospital(Xi'an Fourth Hospital)
Classification: Pathogenic for Intellectual developmental disorder, autosomal dominant 29. Review status: no assertion criteria provided. Collection method: clinical testing. Allele origin: inherited. Inheritance: Autosomal dominant inheritance. Affected: yes. Observed: 1 heterozygote. Not counted in ClinVar's aggregate classification.

Literature cited by the submitters: PubMed 33907317 (cited by Ambry Genetics); PubMed 38923504 (cited by Ambry Genetics).